The following is an entry in ClinVar:

ClinVar aggregate classification (germline): Conflicting classifications of pathogenicity. Review status: criteria provided, conflicting classifications (1 of 4 stars). 4 submissions from 4 submitters: Uncertain significance (3); Likely benign (1). Last evaluated 2026-02-11.

Conditions:
Birt-Hogg-Dube syndrome 1 (BHD1). Also called: FIBROFOLLICULOMAS WITH TRICHODISCOMAS AND ACROCHORDONS. Identifiers: Orphanet 122, MedGen CN375946, MONDO:0800445, OMIM 135150.
Birt-Hogg-Dube syndrome. Also called: Birt Hogg Dubé syndrome. Identifiers: Orphanet 122, MedGen C0346010, MONDO:0800444.

Submissions (4):

St. Jude Molecular Pathology, St. Jude Children's Research Hospital
Classification: Uncertain significance for Birt-Hogg-Dube syndrome 1. Last evaluated: 2026-02-11. Review status: criteria provided, single submitter. Criteria: St. Jude Assertion Criteria 2020. Collection method: clinical testing. Allele origin: germline.
Comment: The FLCN c.1539-16_1539-12del intronic change results in a deletion at the -16 to -12 positions of intron 13 of the FLCN gene. Algorithms that predict the impact of sequence changes on splicing indicate that this change may impact splicing but to our knowledge these predictions have not been confirmed by RNA studies. This variant has a maximum subpopulation frequency of 0.003% in gnomAD v2.1.1. To our knowledge, this variant has not been reported in individuals with Birt-Hogg-Dubai syndrome. In summary, the evidence currently available is insufficient to determine the clinical significance of this variant. It has therefore been classified as of uncertain significance.

Labcorp Genetics (formerly Invitae), Labcorp
Classification: Likely benign for Birt-Hogg-Dube syndrome. Last evaluated: 2026-02-02. Review status: criteria provided, single submitter. Criteria: Invitae Variant Classification Sherloc (09022015). Collection method: clinical testing. Allele origin: germline.

GeneDx
Classification: Uncertain significance. Last evaluated: 2021-04-15. Review status: criteria provided, single submitter. Criteria: GeneDx Variant Classification Process June 2021. Collection method: clinical testing. Allele origin: germline. Affected: yes.
Comment: Not observed at a significant frequency in large population cohorts (Lek 2016); In silico analysis supports a deleterious effect on splicing; Observed in individuals with unspecified cancers (Mandelker 2017); This variant is associated with the following publications: (PMID: 28873162)

Eurofins Ntd Llc (ga)
Classification: Uncertain significance. Last evaluated: 2012-08-22. Review status: criteria provided, single submitter. Criteria: EGL Classification Definitions 2015. Collection method: clinical testing. Allele origin: germline. Observed: 1 variant allele, 1 heterozygote.

NM_144997.7(FLCN):c.1539-16_1539-12del

Gene: FLCN (folliculin; minus strand). Cytogenetic location: 17p11.2.
Variant type: Microsatellite.
Coding change: c.1539-16_1539-12del on transcript NM_144997.7 (MANE Select); 16 bases into the intron before coding-DNA position 1539 through 12 bases into the intron before coding-DNA position 1539, 5 bases deleted (TTTTG; older notation c.1539-16_1539-12delTTTTG).
Molecular consequence: intron variant.
Genome position (GRCh38, 1-based): chr17:17,213,868-17,213,872, CAAAA deleted on the plus strand (TTTTG on the coding strand, the reverse complement: FLCN is on the minus strand); deleting any 5 consecutive bases within chr17:17,213,868-17,213,879 gives the same sequence; the c. name uses the placement nearest the transcript's 3' end. VCF-style (leftmost placement, unchanged base first): chr17-17213867-CCAAAA-C. GRCh37 (hg19) VCF-style: chr17-17117181-CCAAAA-C.
Other names: c.1539-16_1539-12del (NM_001353231.2, NM_001353230.2); c.1593-16_1593-12del (NM_001353229.2).
Identifiers: ClinVar variation 96479 (VCV000096479.15), dbSNP rs398124531, ClinGen allele CA224162.